The following is an entry in ClinVar:

NM_001287.6(CLCN7):c.660C>T (p.His220=)

Gene: CLCN7 (Cl-/H+ antiporter 7; minus strand). Cytogenetic location: 16p13.3.
Variant type: single nucleotide variant.
Coding change: c.660C>T on transcript NM_001287.6 (MANE Select); coding-DNA position 660, C replaced by T.
Protein change: p.His220=; no amino-acid change (histidine 220 retained).
Molecular consequence: synonymous variant.
Genome position (GRCh38, 1-based): chr16:1,459,122, G>A on the plus strand (C>T on the coding strand, the complement: CLCN7 is on the minus strand). VCF-style: chr16-1459122-G-A. GRCh37 (hg19) VCF-style: chr16-1509123-G-A.
Other names: p.His220=; c.588C>T, p.His196= (NM_001114331.3).
Identifiers: ClinVar variation 257957 (VCV000257957.17), dbSNP rs12923538, ClinGen allele CA7810678.
Genomic context (GRCh38, chr16:1,459,122, plus strand): 5'-AGAGCGGGCGCCCACCCTGCCCAGCCAGGGCCACCGCACCCTCACCTTGAGCCGCACCAC[G>A]TGGGGGATCTTCACCCCGTTGAGGAAGCACTTGATCTGGGGGATTCCGCTGCCAGCAGCC-3'
Protein context (NP_001278.1, residues 210-230): KCFLNGVKIP[His220=]VVRLKTLVIK

ClinVar aggregate classification (germline): Benign. Review status: criteria provided, multiple submitters, no conflicts (2 of 4 stars). 6 submissions from 6 submitters: Benign (6). Last evaluated 2026-02-04.

Conditions:
Osteopetrosis. Identifiers: Orphanet 2781, MedGen C0029454, MONDO:0017198, HP:0011002.

Allele frequency attached by ClinVar (database versions not stated): gnomAD 0.14578 and 0.14210; 1000 Genomes Project 0.12200; 1000 Genomes Project 30x 0.12648; gnomAD exomes 0.11296; ExAC 0.12049; TOPMed 0.14801; ESP Exome Variant Server 0.15420.
gnomAD v4.1: 206,364 of 1,611,256 alleles (13%); highest among the groups gnomAD compares: African/African-American, 21%; 14,267 homozygotes.

Submissions (6):

Labcorp Genetics (formerly Invitae), Labcorp
Classification: Benign. Last evaluated: 2026-02-04. Review status: criteria provided, single submitter. Criteria: Invitae Variant Classification Sherloc (09022015). Collection method: clinical testing. Allele origin: germline.

Mayo Clinic Laboratories, Mayo Clinic
Classification: Benign. Last evaluated: 2022-09-06. Review status: criteria provided, single submitter. Criteria: ACMG Guidelines, 2015. Collection method: clinical testing. Allele origin: germline. Observed: 13 variant alleles.

GeneDx
Classification: Benign. Last evaluated: 2018-08-07. Review status: criteria provided, single submitter. Criteria: GeneDx Variant Classification Process June 2021. Collection method: clinical testing. Allele origin: germline. Affected: yes.

Illumina Laboratory Services, Illumina
Classification: Benign for Osteopetrosis. Last evaluated: 2018-01-13. Review status: criteria provided, single submitter. Criteria: ICSL Variant Classification Criteria 13 December 2019. Collection method: clinical testing. Allele origin: germline.
Comment: This variant was observed in the ICSL laboratory as part of a predisposition screen in an ostensibly healthy population. It had not been previously curated by ICSL or reported in the Human Gene Mutation Database (HGMD: prior to June 1st, 2018), and was therefore a candidate for classification through an automated scoring system. Utilizing variant allele frequency, disease prevalence and penetrance estimates, and inheritance mode, an automated score was calculated to assess if this variant is too frequent to cause the disease. Based on the score and internal cut-off values, a variant classified as benign is not then subjected to further curation. The score for this variant resulted in a classification of benign for this disease.

Breakthrough Genomics
Classification: Benign. Review status: criteria provided, single submitter. Criteria: ACMG Guidelines, 2015. Collection method: not provided. Allele origin: germline. Inheritance: Autosomal recessive inheritance. Affected: yes.

PreventionGenetics, part of Exact Sciences
Classification: Benign. Review status: criteria provided, single submitter. Criteria: ACMG Guidelines, 2015. Collection method: clinical testing. Allele origin: germline.